The following is an entry in ClinVar:

NM_001122769.3(LCA5):c.491A>T (p.His164Leu)

Gene: LCA5 (lebercilin LCA5; minus strand). Cytogenetic location: 6q14.1.
Variant type: single nucleotide variant.
Coding change: c.491A>T on transcript NM_001122769.3 (MANE Select); coding-DNA position 491, A replaced by T.
Protein change: p.His164Leu; replaces histidine 164 with leucine.
Molecular consequence: missense variant.
Genome position (GRCh38, 1-based): chr6:79,513,441, T>A on the plus strand (A>T on the coding strand, the complement: LCA5 is on the minus strand). VCF-style: chr6-79513441-T-A. GRCh37 (hg19) VCF-style: chr6-80223158-T-A.
Other names: c.491A>T, p.His164Leu (NM_181714.4); short protein forms H164L.
Identifiers: ClinVar variation 1023326 (VCV001023326.6), dbSNP rs183669161, ClinGen allele CA364628768.

ClinVar aggregate classification (germline): Uncertain significance (1 of 4 stars; one submission).

gnomAD v4.1: 1 of 1,613,974 alleles (0.000062%); highest among the groups gnomAD compares: South Asian, 0.0011%; no homozygotes.

Submission:

Labcorp Genetics (formerly Invitae), Labcorp
Classification: Uncertain significance. Last evaluated: 2021-08-31. Review status: criteria provided, single submitter. Criteria: Invitae Variant Classification Sherloc (09022015). Collection method: clinical testing. Allele origin: germline.
Comment: This sequence change replaces histidine with leucine at codon 164 of the LCA5 protein (p.His164Leu). The histidine residue is highly conserved and there is a moderate physicochemical difference between histidine and leucine. This variant is not present in population databases (ExAC no frequency). This variant has not been reported in the literature in individuals affected with LCA5-related conditions. Algorithms developed to predict the effect of missense changes on protein structure and function are either unavailable or do not agree on the potential impact of this missense change (SIFT: "Deleterious"; PolyPhen-2: "Probably Damaging"; Align-GVGD: "Class C0"). In summary, the available evidence is currently insufficient to determine the role of this variant in disease. Therefore, it has been classified as a Variant of Uncertain Significance.